The following is an entry in ClinVar:

NM_015512.5(DNAH1):c.11043A>G (p.Thr3681=)

Gene: DNAH1 (dynein axonemal heavy chain 1; plus strand). Cytogenetic location: 3p21.1.
Variant type: single nucleotide variant.
Coding change: c.11043A>G on transcript NM_015512.5 (MANE Select); coding-DNA position 11043, A replaced by G.
Protein change: p.Thr3681=; no amino-acid change (threonine 3681 retained).
Molecular consequence: synonymous variant.
Genome position (GRCh38, 1-based): chr3:52,395,382, A>G. VCF-style: chr3-52395382-A-G. GRCh37 (hg19) VCF-style: chr3-52429398-A-G.
Identifiers: ClinVar variation 544676 (VCV000544676.15), dbSNP rs200622578, ClinGen allele CA2436046.

ClinVar aggregate classification (germline): Benign/Likely benign. Review status: criteria provided, multiple submitters, no conflicts (2 of 4 stars). 4 submissions from 4 submitters: Benign (2); Likely benign (1). 1 of the submissions does not count toward it. Last evaluated 2025-11-03.

Conditions:
DNAH1-related disorder. Also called: DNAH1-related condition.
Spermatogenic failure 18. Identifiers: MedGen C4539783, MONDO:0054615, OMIM 617576.
Ciliary dyskinesia, primary, 37 (CILD37). Also called: CILIARY DYSKINESIA, PRIMARY, 37, WITH OR WITHOUT SITUS INVERSUS. Identifiers: MedGen C4539798, MONDO:0033204, OMIM 617577.

Allele frequency attached by ClinVar (database versions not stated): gnomAD exomes 0.00007 and 0.00021; 1000 Genomes Project 0.00020; ExAC 0.00030; 1000 Genomes Project 30x 0.00031; gnomAD 0.00106 and 0.00118; TOPMed 0.00116; ESP Exome Variant Server 0.00122.
gnomAD v4.1: 279 of 1,613,888 alleles (0.017%); highest among the groups gnomAD compares: African/African-American, 0.34%; 1 homozygote.

Submissions (4):

Labcorp Genetics (formerly Invitae), Labcorp
Classification: Benign for Ciliary dyskinesia, primary, 37; Spermatogenic failure 18. Last evaluated: 2025-11-03. Review status: criteria provided, single submitter. Criteria: Invitae Variant Classification Sherloc (09022015). Collection method: clinical testing. Allele origin: germline.

Blueprint Genetics
Classification: Likely benign. Last evaluated: 2023-10-04. Review status: criteria provided, single submitter. Criteria: ACMG Guidelines, 2015. Collection method: clinical testing. Allele origin: germline.

Breakthrough Genomics
Classification: Benign. Review status: criteria provided, single submitter. Criteria: ACMG Guidelines, 2015. Collection method: not provided. Allele origin: germline. Inheritance: Autosomal recessive inheritance. Affected: yes.

PreventionGenetics, part of Exact Sciences
Classification: Likely benign for DNAH1-related condition. Last evaluated: 2019-07-18. Review status: no assertion criteria provided. Collection method: clinical testing. Allele origin: germline. Not counted in ClinVar's aggregate classification.
Comment: This variant is classified as likely benign based on ACMG/AMP sequence variant interpretation guidelines (Richards et al. 2015 PMID: 25741868, with internal and published modifications).